The following is an entry in ClinVar:

NM_022124.6(CDH23):c.429+4G>A

Genes: CDH23 (cadherin related 23; plus strand), CDH23-AS1 (CDH23 antisense RNA 1; minus strand). Cytogenetic location: 10q22.1.
Variant type: single nucleotide variant.
Coding change: c.429+4G>A on transcript NM_022124.6 (MANE Select); 4 bases into the intron after coding-DNA position 429, G replaced by A.
Molecular consequence: intron variant.
Genome position (GRCh38, 1-based): chr10:71,511,216, G>A. VCF-style: chr10-71511216-G-A. GRCh37 (hg19) VCF-style: chr10-73270973-G-A.
Other names: c.429+4G>A (NM_001171930.2, NM_001171931.2, NM_052836.4 and 1 more transcripts).
Identifiers: ClinVar variation 45941 (VCV000045941.22), dbSNP rs397517328, ClinGen allele CA137421.

ClinVar aggregate classification (germline): Benign. Review status: reviewed by expert panel (3 of 4 stars). 10 submissions from 9 submitters: Benign (1). 9 of the submissions do not count toward it. Last evaluated 2020-01-15.

Conditions:
Nonsyndromic genetic hearing loss. Also called: Nonsyndromic hearing loss and deafness; Non-syndromic genetic deafness; Nonsyndromic genetic deafness. Identifiers: Orphanet 87884, MedGen C5680182, MONDO:0019497.
Retinitis pigmentosa (RP). Identifiers: Orphanet 791, MedGen C0035334, MeSH D012174, MONDO:0019200, OMIM 268000. Inheritance: Autosomal dominant, autosomal recessive and X linked inheritance.
Autosomal recessive nonsyndromic hearing loss 12. Also called: DEAFNESS, AUTOSOMAL RECESSIVE 12. Identifiers: Orphanet 90636, MedGen C1832394, MONDO:0011067, OMIM 601386.
Usher syndrome type 1D (USH1D). Also called: USHER SYNDROME, TYPE ID. Identifiers: Orphanet 231169, Orphanet 886, MedGen C1832845, MONDO:0010984, OMIM 601067.

Allele frequency attached by ClinVar (database versions not stated): TOPMed 0.00013; ExAC 0.00169; gnomAD 0.00046 and 0.00003; 1000 Genomes Project 30x 0.00312; gnomAD exomes 0.00072 and 0.00154; 1000 Genomes Project 0.00359.
gnomAD v4.1: 1,135 of 1,612,558 alleles (0.07%); highest among the groups gnomAD compares: South Asian, 1.2%; 8 homozygotes.

Submissions (10):

ClinGen Hearing Loss Variant Curation Expert Panel
Classification: Benign for Nonsyndromic genetic hearing loss. Last evaluated: 2020-01-15. Review status: reviewed by expert panel. Criteria: ClinGen HL ACMG Specifications v1. Collection method: curation. Allele origin: germline. Inheritance: Autosomal recessive inheritance.
Comment: The filtering allele frequency of the c.429+4G>A variant in CDH23 is 1.13% for South Asian chromosomes by gnomAD v2.1.1, which is a high enough frequency to be classified as benign based on thresholds defined by the ClinGen Hearing Loss Expert Panel for autosomal recessive hearing loss variants (BA1). This silent variant in CDH23 is not predicted by the computational prediction analysis using MaxEntScan to impact splicing (BP7, BP4). In summary, this variant meets criteria to be classified as benign based on the ACMG/AMP criteria applied, as specified by the Hearing Loss Expert Panel (BA1, BP7, BP4).

CeGaT Center for Human Genetics Tuebingen
Classification: Likely benign. Last evaluated: 2026-08-01. Review status: criteria provided, single submitter. Criteria: CeGaT Center For Human Genetics Tuebingen Variant Classification Criteria Version 2. Collection method: clinical testing. Allele origin: germline. Affected: yes. Observed: 1 variant allele. Not counted in ClinVar's aggregate classification.
Comment: CDH23: BP4, BS1

Labcorp Genetics (formerly Invitae), Labcorp
Classification: Benign. Last evaluated: 2026-02-02. Review status: criteria provided, single submitter. Criteria: Invitae Variant Classification Sherloc (09022015). Collection method: clinical testing. Allele origin: germline. Not counted in ClinVar's aggregate classification.

Women's Health and Genetics/Laboratory Corporation of America, LabCorp
Classification: Benign. Last evaluated: 2024-09-09. Review status: criteria provided, single submitter. Criteria: LabCorp Variant Classification Summary - May 2015. Collection method: clinical testing. Allele origin: germline. Not counted in ClinVar's aggregate classification.
Comment: Variant summary: CDH23 c.429+4G>A alters a conserved nucleotide located close to a canonical splice site and therefore could affect mRNA splicing, leading to a significantly altered protein sequence. Consensus agreement among computation tools predict no significant impact on normal splicing. However, these predictions have yet to be confirmed by functional studies. The variant allele was found at a frequency of 0.0015 in 249258 control chromosomes, predominantly at a frequency of 0.012 within the South Asian subpopulation in the gnomAD database, including 3 homozygotes. The observed variant frequency within South Asian control individuals in the gnomAD database is approximately 3.72 fold of the estimated maximal expected allele frequency for a pathogenic variant in CDH23 causing Usher Syndrome phenotype (0.0032). To our knowledge, no segregation of the high frequency variant c.429+4G>A in individuals affected with Usher Syndrome and no experimental evidence demonstrating its impact on protein function have been reported. ClinVar contains an entry for this variant (Variation ID: 45941). Based on the evidence outlined above, the variant was classified as benign.

Blueprint Genetics
Classification: Likely benign. Last evaluated: 2024-05-22. Review status: criteria provided, single submitter. Criteria: ACMG Guidelines, 2015. Collection method: clinical testing. Allele origin: germline. Not counted in ClinVar's aggregate classification.

GeneDx
Classification: Benign. Last evaluated: 2019-02-01. Review status: criteria provided, single submitter. Criteria: GeneDx Variant Classification Process June 2021. Collection method: clinical testing. Allele origin: germline. Affected: yes. Not counted in ClinVar's aggregate classification.
Comment: This variant is associated with the following publications: (PMID: 30245029, 24416283, 29148562, 30718709)

Illumina Laboratory Services, Illumina
Classification: Uncertain significance for Autosomal recessive nonsyndromic hearing loss 12. Last evaluated: 2017-04-27. Review status: criteria provided, single submitter. Criteria: ICSL Variant Classification Criteria 13 December 2019. Collection method: clinical testing. Allele origin: germline. Not counted in ClinVar's aggregate classification.
Comment: This variant was observed as part of a predisposition screen in an ostensibly healthy population. A literature search was performed for the gene, cDNA change, and amino acid change (where applicable). Publications were found based on this search. However, the evidence from the literature, in combination with allele frequency data from public databases where available, was not sufficient to rule this variant in or out of causing disease. Therefore, this variant is classified as a variant of unknown significance.

Illumina Laboratory Services, Illumina
Classification: Uncertain significance for Usher syndrome type 1D. Last evaluated: 2017-04-27. Review status: criteria provided, single submitter. Criteria: ICSL Variant Classification Criteria 13 December 2019. Collection method: clinical testing. Allele origin: germline. Not counted in ClinVar's aggregate classification.

Laboratory for Molecular Medicine, Mass General Brigham Personalized Medicine
Classification: Uncertain significance. Last evaluated: 2014-08-08. Review status: criteria provided, single submitter. Criteria: LMM Criteria. Collection method: clinical testing. Allele origin: germline. Observed: 2 variant alleles. Not counted in ClinVar's aggregate classification.
Comment: Variant classified as Uncertain Significance - Favor Benign. The 429+4G>A varian t in CDH23 has been previously reported in two Asian families with hearing loss; however, both probands were heterozygous and a variant affecting the remaining CDH23 allele was not identified (LMM unpublished data; Ganapathy 2014). This var iant has not been identified in large population studies, but there is an insuff icient number of Asian chromosomes in these studies to assess the frequency of t he variant in the Asian population. This variant is located in the 5' splice reg ion. Computational tools do not suggest an impact to splicing and this nucleotid e position is not conserved, yet, this information is not predictive enough to r ule out pathogenicity. In summary, while the clinical significance of the 429+4G >A variant is uncertain, these data suggest that is more likely to be benign.

Department of Clinical Genetics, Copenhagen University Hospital, Rigshospitalet
Classification: Likely pathogenic for Retinitis pigmentosa. Last evaluated: 2018-04-01. Review status: no assertion criteria provided. Collection method: research. Allele origin: unknown. Affected: yes. Study: VeluxRD. Not counted in ClinVar's aggregate classification.

Literature cited by the submitters: PubMed 24416283 (cited by Illumina Laboratory Services, Illumina and Laboratory for Molecular Medicine, Mass General Brigham Personalized Medicine); PubMed 30718709 (cited by Department of Clinical Genetics, Copenhagen University Hospital, Rigshospitalet).